The following is an entry in ClinVar:

NM_001122681.2(SH3BP2):c.806G>C (p.Arg269Thr)

Gene: SH3BP2 (SH3 domain binding protein 2; plus strand). Cytogenetic location: 4p16.3.
Variant type: single nucleotide variant.
Coding change: c.806G>C on transcript NM_001122681.2 (MANE Select); coding-DNA position 806, G replaced by C.
Protein change: p.Arg269Thr; replaces arginine 269 with threonine.
Molecular consequence: missense variant.
Genome position (GRCh38, 1-based): chr4:2,829,712, G>C. VCF-style: chr4-2829712-G-C. GRCh37 (hg19) VCF-style: chr4-2831439-G-C.
Other names: c.890G>C, p.Arg297Thr (NM_001145855.2); c.977G>C, p.Arg326Thr (NM_001145856.2); c.806G>C, p.Arg269Thr (NM_003023.4); short protein forms R326T, R269T, R297T.
Identifiers: ClinVar variation 2847149 (VCV002847149.3), dbSNP rs2530349421, ClinGen allele CA356056166.
Genomic context (GRCh38, chr4:2,829,712, plus strand): 5'-TGGCTGCTGAGGACTCCAAGAGGGACCCACTGTGCCCGAGGCGGGCTGAGCCTTGCCCCA[G>C]GGTACCTGCTACCCCCCGAAGGATGAGCGATCCCCCTCTGAGCACCATGCCCACCGCACC-3'
Protein context (NP_001116153.1, residues 259-279): LCPRRAEPCP[Arg269Thr]VPATPRRMSD

ClinVar aggregate classification (germline): Uncertain significance (1 of 4 stars; one submission).

Conditions:
Fibrous dysplasia of jaw (CRBM). Also called: Cherubism. Identifiers: Orphanet 184, MedGen C0008029, MONDO:0007315, OMIM 118400.

Allele frequency attached by ClinVar (database versions not stated): gnomAD exomes below 0.00001.

Submission:

Labcorp Genetics (formerly Invitae), Labcorp
Classification: Uncertain significance for Fibrous dysplasia of jaw. Last evaluated: 2023-09-18. Review status: criteria provided, single submitter. Criteria: Invitae Variant Classification Sherloc (09022015). Collection method: clinical testing. Allele origin: germline.
Comment: In summary, the available evidence is currently insufficient to determine the role of this variant in disease. Therefore, it has been classified as a Variant of Uncertain Significance. Advanced modeling of protein sequence and biophysical properties (such as structural, functional, and spatial information, amino acid conservation, physicochemical variation, residue mobility, and thermodynamic stability) has been performed at Invitae for this missense variant, however the output from this modeling did not meet the statistical confidence thresholds required to predict the impact of this variant on SH3BP2 protein function. This variant has not been reported in the literature in individuals affected with SH3BP2-related conditions. This variant is not present in population databases (gnomAD no frequency). This sequence change replaces arginine, which is basic and polar, with threonine, which is neutral and polar, at codon 269 of the SH3BP2 protein (p.Arg269Thr).